The following is an entry in ClinVar:

ClinVar aggregate classification (germline): Uncertain significance (1 of 4 stars; one submission).

Submission:

Ambry Genetics
Classification: Uncertain significance. Last evaluated: 2025-02-24. Review status: criteria provided, single submitter. Criteria: Ambry Variant Classification Scheme 2023. Collection method: clinical testing. Allele origin: germline.
Comment: The p.S1387F variant (also known as c.4160C>T), located in coding exon 19 of the WNK2 gene, results from a C to T substitution at nucleotide position 4160. The serine at codon 1387 is replaced by phenylalanine, an amino acid with highly dissimilar properties. This amino acid position is conserved. In addition, this alteration is predicted to be tolerated by in silico analysis. Based on the available evidence, the clinical significance of this variant remains unclear.

NM_006648.4(WNK2):c.4160C>T (p.Ser1387Phe)

Gene: WNK2 (WNK lysine deficient protein kinase 2; plus strand). Cytogenetic location: 9q22.31.
Variant type: single nucleotide variant.
Coding change: c.4160C>T on transcript NM_006648.4 (MANE Select); coding-DNA position 4160, C replaced by T.
Protein change: p.Ser1387Phe; replaces serine 1387 with phenylalanine.
Molecular consequence: missense variant.
Genome position (GRCh38, 1-based): chr9:93,288,914, C>T. VCF-style: chr9-93288914-C-T. GRCh37 (hg19) VCF-style: chr9-96051196-C-T.
Other names: c.4271C>T, p.Ser1424Phe (NM_001282394.3); short protein forms S1387F, S1424F.
Identifiers: ClinVar variation 3817144 (VCV003817144.1).